The following is an entry in ClinVar:

ClinVar aggregate classification (germline): Uncertain significance (1 of 4 stars; one submission).

Conditions:
Leber congenital amaurosis 6 (LCA6). Identifiers: Orphanet 65, MedGen C1854260, MONDO:0013446, OMIM 613826.
Cone-rod dystrophy 13 (CORD13). Identifiers: Orphanet 1872, MedGen C2750720, MONDO:0011987, OMIM 608194.

Submission:

Labcorp Genetics (formerly Invitae), Labcorp
Classification: Uncertain significance for Leber congenital amaurosis 6; Cone-rod dystrophy 13. Last evaluated: 2022-03-19. Review status: criteria provided, single submitter. Criteria: Invitae Variant Classification Sherloc (09022015). Collection method: clinical testing. Allele origin: germline.
Comment: In summary, the available evidence is currently insufficient to determine the role of this variant in disease. Therefore, it has been classified as a Variant of Uncertain Significance. Algorithms developed to predict the effect of missense changes on protein structure and function output the following: SIFT: "Tolerated"; PolyPhen-2: "Benign"; Align-GVGD: "Class C0". The lysine amino acid residue is found in multiple mammalian species, which suggests that this missense change does not adversely affect protein function. ClinVar contains an entry for this variant (Variation ID: 1052595). This variant has not been reported in the literature in individuals affected with RPGRIP1-related conditions. This variant is not present in population databases (gnomAD no frequency). This sequence change replaces glutamic acid, which is acidic and polar, with lysine, which is basic and polar, at codon 62 of the RPGRIP1 protein (p.Glu62Lys).

NM_020366.4(RPGRIP1):c.184G>A (p.Glu62Lys)

Gene: RPGRIP1 (RPGR interacting protein 1; plus strand). Cytogenetic location: 14q11.2.
Variant type: single nucleotide variant.
Coding change: c.184G>A on transcript NM_020366.4 (MANE Select); coding-DNA position 184, G replaced by A.
Protein change: p.Glu62Lys; replaces glutamic acid 62 with lysine.
Molecular consequence: missense variant.
Genome position (GRCh38, 1-based): chr14:21,294,775, G>A. VCF-style: chr14-21294775-G-A. GRCh37 (hg19) VCF-style: chr14-21762934-G-A.
Other names: short protein forms E62K.
Identifiers: ClinVar variation 1052595 (VCV001052595.9), dbSNP rs976713441, ClinGen allele CA257492060.